The following is an entry in ClinVar:

ClinVar aggregate classification (germline): Uncertain significance (1 of 4 stars; one submission).

Submission:

Labcorp Genetics (formerly Invitae), Labcorp
Classification: Uncertain significance. Last evaluated: 2025-11-18. Review status: criteria provided, single submitter. Criteria: Invitae Variant Classification Sherloc (09022015). Collection method: clinical testing. Allele origin: germline.
Comment: This sequence change falls in intron 26 of the COL2A1 gene. It does not directly change the encoded amino acid sequence of the COL2A1 protein. It affects a nucleotide within the consensus splice site. This variant is not present in population databases (gnomAD no frequency). This variant has not been reported in the literature in individuals affected with COL2A1-related conditions. Variants that disrupt the consensus splice site are a relatively common cause of aberrant splicing (PMID: 17576681, 9536098). Algorithms developed to predict the effect of sequence changes on RNA splicing suggest that this variant is not likely to affect RNA splicing. In summary, the available evidence is currently insufficient to determine the role of this variant in disease. Therefore, it has been classified as a Variant of Uncertain Significance.

Literature cited by the submitters: PubMed 17576681; PubMed 9536098.

NM_001844.5(COL2A1):c.1735-3C>T

Gene: COL2A1 (collagen type II alpha 1 chain; minus strand). Cytogenetic location: 12q13.11.
Variant type: single nucleotide variant.
Coding change: c.1735-3C>T on transcript NM_001844.5 (MANE Select); 3 bases into the intron before coding-DNA position 1735, C replaced by T.
Molecular consequence: intron variant.
Genome position (GRCh38, 1-based): chr12:47,985,096, G>A on the plus strand (C>T on the coding strand, the complement: COL2A1 is on the minus strand). VCF-style: chr12-47985096-G-A. GRCh37 (hg19) VCF-style: chr12-48378879-G-A.
Other names: c.1528-3C>T (NM_033150.3).
Identifiers: ClinVar variation 4731479 (VCV004731479.1).